The following is an entry in ClinVar:

ClinVar aggregate classification (germline): Benign (1 of 4 stars; one submission).

Conditions:
Autosomal dominant optic atrophy classic form (OPA1). Also called: Optic Atrophy Type 1; KJER-TYPE OPTIC ATROPHY; OPTIC ATROPHY, JUVENILE. Identifiers: Orphanet 98673, MedGen C0338508, MONDO:0008134, OMIM 165500.

Allele frequency attached by ClinVar (database versions not stated): gnomAD 0.00927 and 0.00952; TOPMed 0.00993; 1000 Genomes Project 0.01777; 1000 Genomes Project 30x 0.01999.

Submission:

Illumina Laboratory Services, Illumina
Classification: Benign for Autosomal dominant optic atrophy classic form. Last evaluated: 2018-01-13. Review status: criteria provided, single submitter. Criteria: ICSL Variant Classification Criteria 13 December 2019. Collection method: clinical testing. Allele origin: germline.
Comment: This variant was observed in the ICSL laboratory as part of a predisposition screen in an ostensibly healthy population. It had not been previously curated by ICSL or reported in the Human Gene Mutation Database (HGMD: prior to June 1st, 2018), and was therefore a candidate for classification through an automated scoring system. Utilizing variant allele frequency, disease prevalence and penetrance estimates, and inheritance mode, an automated score was calculated to assess if this variant is too frequent to cause the disease. Based on the score and internal cut-off values, a variant classified as benign is not then subjected to further curation. The score for this variant resulted in a classification of benign for this disease.

NM_130837.3(OPA1):c.*2408A>G

Gene: OPA1 (OPA1 mitochondrial dynamin like GTPase; plus strand). Cytogenetic location: 3q29.
Variant type: single nucleotide variant.
Coding change: c.*2408A>G on transcript NM_130837.3 (MANE Select); 2408 bases downstream of the stop codon, A replaced by G.
Molecular consequence: 3 prime UTR variant.
Genome position (GRCh38, 1-based): chr3:193,697,008, A>G. VCF-style: chr3-193697008-A-G. GRCh37 (hg19) VCF-style: chr3-193414797-A-G.
Other names: c.*2408A>G (NM_001354663.2, NM_001354664.2, NM_015560.3 and 6 more transcripts).
Identifiers: ClinVar variation 344514 (VCV000344514.5), dbSNP rs73069788, ClinGen allele CA10618283.